The following is an entry in ClinVar:

NM_020247.5(COQ8A):c.251C>T (p.Pro84Leu)

Gene: COQ8A (coenzyme Q8A; plus strand). Cytogenetic location: 1q42.13.
Variant type: single nucleotide variant.
Coding change: c.251C>T on transcript NM_020247.5 (MANE Select); coding-DNA position 251, C replaced by T.
Protein change: p.Pro84Leu; replaces proline 84 with leucine.
Molecular consequence: missense variant.
Genome position (GRCh38, 1-based): chr1:226,965,073, C>T. VCF-style: chr1-226965073-C-T. GRCh37 (hg19) VCF-style: chr1-227152774-C-T.
Other names: short protein forms P84L.
Identifiers: ClinVar variation 2176952 (VCV002176952.4), dbSNP rs1378553045, ClinGen allele CA345049982.

ClinVar aggregate classification (germline): Uncertain significance (1 of 4 stars; one submission).

Allele frequency attached by ClinVar (database versions not stated): TOPMed 0.00001; gnomAD exomes 0.00002.
gnomAD v4.1: 25 of 1,613,850 alleles (0.0015%); highest among the groups gnomAD compares: Middle Eastern, 0.016%; no homozygotes.

Submission:

Labcorp Genetics (formerly Invitae), Labcorp
Classification: Uncertain significance. Last evaluated: 2022-04-28. Review status: criteria provided, single submitter. Criteria: Invitae Variant Classification Sherloc (09022015). Collection method: clinical testing. Allele origin: germline.
Comment: In summary, the available evidence is currently insufficient to determine the role of this variant in disease. Therefore, it has been classified as a Variant of Uncertain Significance. Advanced modeling of protein sequence and biophysical properties (such as structural, functional, and spatial information, amino acid conservation, physicochemical variation, residue mobility, and thermodynamic stability) performed at Invitae indicates that this missense variant is not expected to disrupt COQ8A protein function. This variant has not been reported in the literature in individuals affected with COQ8A-related conditions. This variant is present in population databases (no rsID available, gnomAD 0.006%). This sequence change replaces proline, which is neutral and non-polar, with leucine, which is neutral and non-polar, at codon 84 of the COQ8A protein (p.Pro84Leu).